The following is an entry in ClinVar:

ClinVar aggregate classification (germline): Uncertain significance. Review status: criteria provided, multiple submitters, no conflicts (2 of 4 stars). 2 submissions from 2 submitters: Uncertain significance (2). Last evaluated 2025-02-07.

Conditions:
Joubert syndrome. Also called: CEREBELLOPARENCHYMAL DISORDER IV; JOUBERT-BOLTSHAUSER SYNDROME; Familial aplasia of the vermis. Identifiers: Orphanet 475, MedGen C5979921, MONDO:0018772.
Meckel-Gruber syndrome. Also called: DYSENCEPHALIA SPLANCHNOCYSTICA; GRUBER SYNDROME; Dysencephalia splachnocystica. Identifiers: Orphanet 564, MedGen C0265215, MONDO:0018921.
Nephronophthisis. Also called: Juvenile Nephronophthisis. Identifiers: Orphanet 655, MedGen C0687120, MONDO:0019005, HP:0000090.
Inborn genetic diseases. Identifiers: MedGen C0950123, MeSH D030342.

Allele frequency attached by ClinVar (database versions not stated): gnomAD exomes below 0.00001.
gnomAD v4.1: 1 of 1,613,912 alleles (0.000062%); highest among the groups gnomAD compares: Non-Finnish European, 0.000085%; no homozygotes.

Submissions (2):

Ambry Genetics
Classification: Uncertain significance for Inborn genetic diseases. Last evaluated: 2025-02-07. Review status: criteria provided, single submitter. Criteria: Ambry Variant Classification Scheme 2023. Collection method: clinical testing. Allele origin: germline.

Labcorp Genetics (formerly Invitae), Labcorp
Classification: Uncertain significance for Joubert syndrome; Meckel-Gruber syndrome; Nephronophthisis. Last evaluated: 2021-12-01. Review status: criteria provided, single submitter. Criteria: Invitae Variant Classification Sherloc (09022015). Collection method: clinical testing. Allele origin: germline.
Comment: This variant is not present in population databases (gnomAD no frequency). This sequence change replaces alanine, which is neutral and non-polar, with threonine, which is neutral and polar, at codon 1233 of the CEP290 protein (p.Ala1233Thr). This variant has not been reported in the literature in individuals affected with CEP290-related conditions. Algorithms developed to predict the effect of missense changes on protein structure and function output the following: SIFT: "Tolerated"; PolyPhen-2: "Benign"; Align-GVGD: "Class C0". The threonine amino acid residue is found in multiple mammalian species, which suggests that this missense change does not adversely affect protein function. In summary, the available evidence is currently insufficient to determine the role of this variant in disease. Therefore, it has been classified as a Variant of Uncertain Significance.

NM_025114.4(CEP290):c.3697G>A (p.Ala1233Thr)

Gene: CEP290 (centrosomal protein 290; minus strand). Cytogenetic location: 12q21.32.
Variant type: single nucleotide variant.
Coding change: c.3697G>A on transcript NM_025114.4 (MANE Select); coding-DNA position 3697, G replaced by A.
Protein change: p.Ala1233Thr; replaces alanine 1233 with threonine.
Molecular consequence: missense variant.
Genome position (GRCh38, 1-based): chr12:88,089,364, C>T on the plus strand (G>A on the coding strand, the complement: CEP290 is on the minus strand). VCF-style: chr12-88089364-C-T. GRCh37 (hg19) VCF-style: chr12-88483141-C-T.
Other names: c.3697G>A (NM_025114.3); short protein forms A1233T.
Identifiers: ClinVar variation 2022531 (VCV002022531.5), dbSNP rs2500115290, ClinGen allele CA386000905.